The following is an entry in ClinVar:

ClinVar aggregate classification (germline): Uncertain significance (1 of 4 stars; one submission).

Allele frequency attached by ClinVar (database versions not stated): ExAC 0.00001; gnomAD 0.00001; gnomAD exomes 0.00001; TOPMed 0.00001; ESP Exome Variant Server 0.00008.
gnomAD v4.1: 12 of 1,613,822 alleles (0.00074%); highest among the groups gnomAD compares: South Asian, 0.0033%; no homozygotes.

Submission:

Labcorp Genetics (formerly Invitae), Labcorp
Classification: Uncertain significance. Last evaluated: 2022-09-01. Review status: criteria provided, single submitter. Criteria: Invitae Variant Classification Sherloc (09022015). Collection method: clinical testing. Allele origin: germline.
Comment: This sequence change replaces arginine, which is basic and polar, with cysteine, which is neutral and slightly polar, at codon 94 of the ROBO1 protein (p.Arg94Cys). This variant is present in population databases (rs369259928, gnomAD 0.002%). In summary, the available evidence is currently insufficient to determine the role of this variant in disease. Therefore, it has been classified as a Variant of Uncertain Significance. Advanced modeling of protein sequence and biophysical properties (such as structural, functional, and spatial information, amino acid conservation, physicochemical variation, residue mobility, and thermodynamic stability) performed at Invitae indicates that this missense variant is expected to disrupt ROBO1 protein function. This variant has not been reported in the literature in individuals affected with ROBO1-related conditions.

NM_002941.4(ROBO1):c.280C>T (p.Arg94Cys)

Gene: ROBO1 (roundabout guidance receptor 1; minus strand). Cytogenetic location: 3p12.3.
Variant type: single nucleotide variant.
Coding change: c.280C>T on transcript NM_002941.4 (MANE Select); coding-DNA position 280, C replaced by T.
Protein change: p.Arg94Cys; replaces arginine 94 with cysteine.
Molecular consequence: missense variant.
Genome position (GRCh38, 1-based): chr3:78,938,820, G>A on the plus strand (C>T on the coding strand, the complement: ROBO1 is on the minus strand). VCF-style: chr3-78938820-G-A. GRCh37 (hg19) VCF-style: chr3-78987970-G-A.
Other names: c.163C>T, p.Arg55Cys (NM_001145844.1, NM_001145845.2, NM_133631.4); short protein forms R55C, R94C.
Identifiers: ClinVar variation 1951020 (VCV001951020.5), dbSNP rs369259928, ClinGen allele CA2499292.
Genomic context (GRCh38, chr3:78,938,820, plus strand): 5'-CATCTTTGTCTGTCTCCACTCTCTCTCCCCCTTTGTACCATTCAATAGTGGGTGTGGGGC[G>A]GCCTTCAGCTTTGCAGTTCAAAGTTGCAGGTTCTCCTTTTGAGACAATCAGGTCTGAAGG-3'
Protein context (NP_002932.1, residues 84-104): PATLNCKAEG[Arg94Cys]PTPTIEWYKG